The following is an entry in ClinVar:

ClinVar aggregate classification (germline): Uncertain significance. Review status: criteria provided, multiple submitters, no conflicts (2 of 4 stars). 2 submissions from 2 submitters: Uncertain significance (2). Last evaluated 2026-01-02.

Conditions:
Cardiovascular phenotype. Identifiers: MedGen CN230736.
Hypertrophic cardiomyopathy. Also called: HYPERTROPHIC MYOCARDIOPATHY. Identifiers: Orphanet 217569, MedGen C0007194, MeSH D002312, MONDO:0005045, HP:0001639.

gnomAD v4.1: 5 of 1,613,862 alleles (0.00031%); highest among the groups gnomAD compares: South Asian, 0.0044%; no homozygotes.

Submissions (2):

Ambry Genetics
Classification: Uncertain significance for Cardiovascular phenotype. Last evaluated: 2026-01-02. Review status: criteria provided, single submitter. Criteria: Ambry Variant Classification Scheme 2023. Collection method: clinical testing. Allele origin: germline.
Comment: The p.S84N variant (also known as c.251G>A), located in coding exon 3 of the MYOZ2 gene, results from a G to A substitution at nucleotide position 251. The serine at codon 84 is replaced by asparagine, an amino acid with highly similar properties. This amino acid position is poorly conserved in available vertebrate species. In addition, this alteration is predicted to be tolerated by in silico analysis. The evidence for this gene-disease relationship is limited; therefore, the clinical significance of this alteration is unclear.

Labcorp Genetics (formerly Invitae), Labcorp
Classification: Uncertain significance for Hypertrophic cardiomyopathy. Last evaluated: 2024-08-13. Review status: criteria provided, single submitter. Criteria: Invitae Variant Classification Sherloc (09022015). Collection method: clinical testing. Allele origin: germline.
Comment: This sequence change replaces serine, which is neutral and polar, with asparagine, which is neutral and polar, at codon 84 of the MYOZ2 protein (p.Ser84Asn). This variant is not present in population databases (gnomAD no frequency). This variant has not been reported in the literature in individuals affected with MYOZ2-related conditions. Invitae Evidence Modeling of protein sequence and biophysical properties (such as structural, functional, and spatial information, amino acid conservation, physicochemical variation, residue mobility, and thermodynamic stability) indicates that this missense variant is not expected to disrupt MYOZ2 protein function with a negative predictive value of 80%. Algorithms developed to predict the effect of sequence changes on RNA splicing suggest that this variant may create or strengthen a splice site. In summary, the available evidence is currently insufficient to determine the role of this variant in disease. Therefore, it has been classified as a Variant of Uncertain Significance.

NM_016599.5(MYOZ2):c.251G>A (p.Ser84Asn)

Gene: MYOZ2 (myozenin 2; plus strand). Cytogenetic location: 4q26.
Variant type: single nucleotide variant.
Coding change: c.251G>A on transcript NM_016599.5 (MANE Select); coding-DNA position 251, G replaced by A.
Protein change: p.Ser84Asn; replaces serine 84 with asparagine.
Molecular consequence: missense variant.
Genome position (GRCh38, 1-based): chr4:119,158,026, G>A. VCF-style: chr4-119158026-G-A. GRCh37 (hg19) VCF-style: chr4-120079181-G-A.
Other names: short protein forms S84N.
Identifiers: ClinVar variation 3676428 (VCV003676428.3).
Genomic context (GRCh38, chr4:119,158,026, plus strand): 5'-ATTATTGTGCTTACATTTTTGAGTTTTCAGCAGAGTTTACTTTTGATTAAATACAGCACA[G>A]TATTGCTATGCAGAATGGGAAAGTGGATGGAAGTAACTTGGAAGGTGGTTCGCAGCAAGC-3'
Protein context (NP_057683.1, residues 74-94): QYQSRAQINH[Ser84Asn]IAMQNGKVDG